The following is an entry in ClinVar:

NM_001458.5(FLNC):c.2708A>T (p.Asp903Val)

Gene: FLNC (filamin C; plus strand). Cytogenetic location: 7q32.1.
Variant type: single nucleotide variant.
Coding change: c.2708A>T on transcript NM_001458.5 (MANE Select); coding-DNA position 2708, A replaced by T.
Protein change: p.Asp903Val; replaces aspartic acid 903 with valine.
Molecular consequence: missense variant.
Genome position (GRCh38, 1-based): chr7:128,843,474, A>T. VCF-style: chr7-128843474-A-T. GRCh37 (hg19) VCF-style: chr7-128483528-A-T.
Other names: c.2708A>T, p.Asp903Val (NM_001127487.2); short protein forms D903V.
Identifiers: ClinVar variation 3900549 (VCV003900549.2).

ClinVar aggregate classification (germline): Uncertain significance. Review status: criteria provided, multiple submitters, no conflicts (2 of 4 stars). 2 submissions from 2 submitters: Uncertain significance (2). Last evaluated 2025-09-11.

Conditions:
Distal myopathy with posterior leg and anterior hand involvement. Also called: WILLIAMS DISTAL MYOPATHY. Identifiers: Orphanet 63273, MedGen C3279722, MONDO:0013550, OMIM 614065.
Myofibrillar myopathy 5. Also called: FILAMINOPATHY, AUTOSOMAL DOMINANT; Filaminopathy (type). Identifiers: Orphanet 171445, MedGen C1836050, MONDO:0012289, OMIM 609524.
Hypertrophic cardiomyopathy 26. Also called: Cardiomyopathy, familial hypertrophic, 26. Identifiers: Orphanet 75249, MedGen C4310749, MONDO:0014883, OMIM 617047.

gnomAD v4.1: 1 of 1,613,976 alleles (0.000062%); highest among the groups gnomAD compares: African/African-American, 0.0013%; no homozygotes.

Submissions (2):

Labcorp Genetics (formerly Invitae), Labcorp
Classification: Uncertain significance for Distal myopathy with posterior leg and anterior hand involvement; Myofibrillar myopathy 5; Hypertrophic cardiomyopathy 26. Last evaluated: 2025-09-11. Review status: criteria provided, single submitter. Criteria: Invitae Variant Classification Sherloc (09022015). Collection method: clinical testing. Allele origin: germline.
Comment: This sequence change replaces aspartic acid, which is acidic and polar, with valine, which is neutral and non-polar, at codon 903 of the FLNC protein (p.Asp903Val). This variant is not present in population databases (gnomAD no frequency). This variant has not been reported in the literature in individuals affected with FLNC-related conditions. ClinVar contains an entry for this variant (Variation ID: 3900549). Invitae Evidence Modeling of protein sequence and biophysical properties (such as structural, functional, and spatial information, amino acid conservation, physicochemical variation, residue mobility, and thermodynamic stability) has been performed for this missense variant. However, the output from this modeling did not meet the statistical confidence thresholds required to predict the impact of this variant on FLNC protein function. In summary, the available evidence is currently insufficient to determine the role of this variant in disease. Therefore, it has been classified as a Variant of Uncertain Significance.

GeneDx
Classification: Uncertain significance. Last evaluated: 2024-11-25. Review status: criteria provided, single submitter. Criteria: GeneDx Variant Classification Process June 2021. Collection method: clinical testing. Allele origin: germline. Affected: yes.
Comment: Not observed at significant frequency in large population cohorts (gnomAD); In silico analysis supports that this missense variant has a deleterious effect on protein structure/function; Has not been previously published as pathogenic or benign to our knowledge